The following is an entry in ClinVar:

ClinVar aggregate classification (germline): Uncertain significance (1 of 4 stars; one submission).

Conditions:
Spermatogenic failure 18. Identifiers: MedGen C4539783, MONDO:0054615, OMIM 617576.
Ciliary dyskinesia, primary, 37 (CILD37). Also called: CILIARY DYSKINESIA, PRIMARY, 37, WITH OR WITHOUT SITUS INVERSUS. Identifiers: MedGen C4539798, MONDO:0033204, OMIM 617577.

Allele frequency attached by ClinVar (database versions not stated): TOPMed below 0.00001; gnomAD exomes 0.00001; ExAC 0.00003.
gnomAD v4.1: 10 of 1,599,390 alleles (0.00063%); highest among the groups gnomAD compares: Middle Eastern, 0.017%; no homozygotes.

Submission:

Labcorp Genetics (formerly Invitae), Labcorp
Classification: Uncertain significance for Ciliary dyskinesia, primary, 37; Spermatogenic failure 18. Last evaluated: 2023-12-10. Review status: criteria provided, single submitter. Criteria: Invitae Variant Classification Sherloc (09022015). Collection method: clinical testing. Allele origin: germline.
Comment: This sequence change replaces arginine, which is basic and polar, with glutamine, which is neutral and polar, at codon 1660 of the DNAH1 protein (p.Arg1660Gln). The frequency data for this variant in the population databases is considered unreliable, as metrics indicate poor data quality at this position in the gnomAD database. This variant has not been reported in the literature in individuals affected with DNAH1-related conditions. An algorithm developed to predict the effect of missense changes on protein structure and function (PolyPhen-2) suggests that this variant is likely to be disruptive. In summary, the available evidence is currently insufficient to determine the role of this variant in disease. Therefore, it has been classified as a Variant of Uncertain Significance.

NM_015512.5(DNAH1):c.4979G>A (p.Arg1660Gln)

Gene: DNAH1 (dynein axonemal heavy chain 1; plus strand). Cytogenetic location: 3p21.1.
Variant type: single nucleotide variant.
Coding change: c.4979G>A on transcript NM_015512.5 (MANE Select); coding-DNA position 4979, G replaced by A.
Protein change: p.Arg1660Gln; replaces arginine 1660 with glutamine.
Molecular consequence: missense variant.
Genome position (GRCh38, 1-based): chr3:52,361,765, G>A. VCF-style: chr3-52361765-G-A. GRCh37 (hg19) VCF-style: chr3-52395781-G-A.
Other names: short protein forms R1660Q.
Identifiers: ClinVar variation 2931792 (VCV002931792.2), dbSNP rs769975705, ClinGen allele CA2434046.
Genomic context (GRCh38, chr3:52,361,765, plus strand): 5'-TCGAGGTGCTGTCTGTGGTGGCGCAGCAGATCACCACCATCCAGAAGGCGCAGCAGCAGC[G>A]GGTGAGCCCGGGGGACCCACCTTACTCCCTCAGATCTGCCATACTCACGCCGCCATACTG-3'
Protein context (NP_056327.4, residues 1650-1670): ITTIQKAQQQ[Arg1660Gln]VERFMFEGVE